The following is an entry in ClinVar:

NM_017780.4(CHD7):c.2732T>C (p.Leu911Pro)

Gene: CHD7 (chromodomain helicase DNA binding protein 7; plus strand). Cytogenetic location: 8q12.2.
Variant type: single nucleotide variant.
Coding change: c.2732T>C on transcript NM_017780.4 (MANE Select); coding-DNA position 2732, T replaced by C.
Protein change: p.Leu911Pro; replaces leucine 911 with proline.
Molecular consequence: missense variant. On other transcripts: intron variant (1).
Genome position (GRCh38, 1-based): chr8:60,821,824, T>C. VCF-style: chr8-60821824-T-C. GRCh37 (hg19) VCF-style: chr8-61734383-T-C.
Other names: c.1717-40405T>C (NM_001316690.1); short protein forms L911P.
Identifiers: ClinVar variation 3774606 (VCV003774606.1).

ClinVar aggregate classification (germline): Uncertain significance (1 of 4 stars; one submission).

Submission:

GeneDx
Classification: Uncertain significance. Last evaluated: 2024-09-29. Review status: criteria provided, single submitter. Criteria: GeneDx Variant Classification Process June 2021. Collection method: clinical testing. Allele origin: germline. Affected: yes.
Comment: Not observed at significant frequency in large population cohorts (gnomAD); In silico analysis supports that this missense variant has a deleterious effect on protein structure/function; Has not been previously published as pathogenic or benign to our knowledge